The following is an entry in ClinVar:

NM_004104.5(FASN):c.2542G>A (p.Glu848Lys)

Gene: FASN (fatty acid synthase; minus strand). Cytogenetic location: 17q25.3.
Variant type: single nucleotide variant.
Coding change: c.2542G>A on transcript NM_004104.5 (MANE Select); coding-DNA position 2542, G replaced by A.
Protein change: p.Glu848Lys; replaces glutamic acid 848 with lysine.
Molecular consequence: missense variant.
Genome position (GRCh38, 1-based): chr17:82,088,441, C>T on the plus strand (G>A on the coding strand, the complement: FASN is on the minus strand). VCF-style: chr17-82088441-C-T. GRCh37 (hg19) VCF-style: chr17-80046317-C-T.
Other names: c.2542G>A (NM_004104.4); short protein forms E848K.
Identifiers: ClinVar variation 1991721 (VCV001991721.5), dbSNP rs141532672, ClinGen allele CA8852755.
Genomic context (GRCh38, chr17:82,088,441, plus strand): 5'-CCTGCTCACCGATGTTGTAGATGGCGGCTGAGGGGGAACCTGAACCGTTGGGGAAGTCCT[C>T]GGCGGCCGGCACGTCCCAGGCCAGGCTGTGGTCCCACTTGATGAGTGGGGAGATGAGGGG-3'
Protein context (NP_004095.4, residues 838-858): HSLAWDVPAA[Glu848Lys]DFPNGSGSPS

ClinVar aggregate classification (germline): Uncertain significance. Review status: criteria provided, multiple submitters, no conflicts (2 of 4 stars). 2 submissions from 2 submitters: Uncertain significance (2). Last evaluated 2025-08-25.

Conditions:
Epileptic encephalopathy. Identifiers: MedGen C0543888, HP:0200134.

Allele frequency attached by ClinVar (database versions not stated): gnomAD exomes 0.00001; ExAC 0.00003; gnomAD 0.00003; ESP Exome Variant Server 0.00023.
gnomAD v4.1: 20 of 1,611,590 alleles (0.0012%); highest among the groups gnomAD compares: African/African-American, 0.0093%; no homozygotes.

Submissions (2):

Ambry Genetics
Classification: Uncertain significance. Last evaluated: 2025-08-25. Review status: criteria provided, single submitter. Criteria: Ambry Variant Classification Scheme 2023. Collection method: clinical testing. Allele origin: germline.

Labcorp Genetics (formerly Invitae), Labcorp
Classification: Uncertain significance for Epileptic encephalopathy. Last evaluated: 2025-06-24. Review status: criteria provided, single submitter. Criteria: Invitae Variant Classification Sherloc (09022015). Collection method: clinical testing. Allele origin: germline.
Comment: This sequence change replaces glutamic acid, which is acidic and polar, with lysine, which is basic and polar, at codon 848 of the FASN protein (p.Glu848Lys). This variant is present in population databases (rs141532672, gnomAD 0.01%). This variant has not been reported in the literature in individuals affected with FASN-related conditions. ClinVar contains an entry for this variant (Variation ID: 1991721). An algorithm developed to predict the effect of missense changes on protein structure and function outputs the following: PolyPhen-2: "Benign". The lysine amino acid residue is found in multiple mammalian species, which suggests that this missense change does not adversely affect protein function. In summary, the available evidence is currently insufficient to determine the role of this variant in disease. Therefore, it has been classified as a Variant of Uncertain Significance.